The following is an entry in ClinVar:

ClinVar aggregate classification (germline): Conflicting classifications of pathogenicity. Review status: criteria provided, conflicting classifications (1 of 4 stars). 7 submissions from 5 submitters: Uncertain significance (1); Benign (1); Likely benign (5). Last evaluated 2026-06-23.

Conditions:
Mastocytosis. Also called: Mast Cell Disease. Identifiers: Orphanet 98292, MedGen C0024899, MONDO:0007950, HP:0100495.
Gastrointestinal stromal tumor. Also called: Gastrointestinal stromal tumor, somatic; Gastrointestinal stroma tumor. Identifiers: Orphanet 44890, MedGen C0238198, MeSH D046152, MONDO:0011719, OMIM 606764, HP:0100723.
Piebaldism. Also called: Piebald skin depigmentation. Identifiers: Orphanet 2884, MedGen C0080024, MONDO:0008244, OMIM 172800, HP:0007544.

Allele frequency attached by ClinVar (database versions not stated): 1000 Genomes Project 30x 0.00187; 1000 Genomes Project 0.00220; gnomAD 0.00332; TOPMed 0.00349; gnomAD exomes 0.00350; ExAC 0.00417; ESP Exome Variant Server 0.00515.
gnomAD v4.1: 8,496 of 1,613,094 alleles (0.53%); highest among the groups gnomAD compares: Non-Finnish European, 0.65%; 35 homozygotes.

Submissions (7):

Myriad Genetics, Inc.
Classification: Likely benign for Gastrointestinal stromal tumor. Last evaluated: 2026-06-23. Review status: criteria provided, single submitter. Criteria: Myriad Autosomal Dominant, Autosomal Recessive and X-Linked Classification Criteria (2023). Collection method: clinical testing. Allele origin: unknown.
Comment: This variant is considered likely benign. This variant has been observed at a population frequency that is significantly greater than expected given the associated disease prevalence and penetrance.

Blueprint Genetics
Classification: Likely benign. Last evaluated: 2024-11-25. Review status: criteria provided, single submitter. Criteria: ACMG Guidelines, 2015. Collection method: clinical testing. Allele origin: germline.

Institute for Clinical Genetics, University Hospital TU Dresden, University Hospital TU Dresden
Classification: Uncertain significance. Last evaluated: 2021-11-03. Review status: criteria provided, single submitter. Criteria: ACMG Guidelines, 2015. Collection method: clinical testing. Allele origin: germline.

Illumina Laboratory Services, Illumina
Classification: Likely benign for Piebaldism. Last evaluated: 2018-01-13. Review status: criteria provided, single submitter. Criteria: ICSL Variant Classification Criteria 13 December 2019. Collection method: clinical testing. Allele origin: germline.
Comment: This variant was observed in the ICSL laboratory as part of a predisposition screen in an ostensibly healthy population. It had not been previously curated by ICSL or reported in the Human Gene Mutation Database (HGMD: prior to June 1st, 2018), and was therefore a candidate for classification through an automated scoring system. Utilizing variant allele frequency, disease prevalence and penetrance estimates, and inheritance mode, an automated score was calculated to assess if this variant is too frequent to cause the disease. Based on the score and internal cut-off values, a variant classified as likely benign is not then subjected to further curation. The score for this variant resulted in a classification of likely benign for this disease.

Illumina Laboratory Services, Illumina
Classification: Likely benign for Gastrointestinal stromal tumor. Last evaluated: 2018-01-13. Review status: criteria provided, single submitter. Criteria: ICSL Variant Classification Criteria 13 December 2019. Collection method: clinical testing. Allele origin: germline.
Comment: the same text as in the submission from Illumina Laboratory Services, Illumina above.

Illumina Laboratory Services, Illumina
Classification: Benign for Cutaneous mastocytosis. Last evaluated: 2018-01-13. Review status: criteria provided, single submitter. Criteria: ICSL Variant Classification Criteria 13 December 2019. Collection method: clinical testing. Allele origin: germline.
Comment: This variant was observed in the ICSL laboratory as part of a predisposition screen in an ostensibly healthy population. It had not been previously curated by ICSL or reported in the Human Gene Mutation Database (HGMD: prior to June 1st, 2018), and was therefore a candidate for classification through an automated scoring system. Utilizing variant allele frequency, disease prevalence and penetrance estimates, and inheritance mode, an automated score was calculated to assess if this variant is too frequent to cause the disease. Based on the score and internal cut-off values, a variant classified as benign is not then subjected to further curation. The score for this variant resulted in a classification of benign for this disease.

PreventionGenetics, part of Exact Sciences
Classification: Likely benign. Review status: criteria provided, single submitter. Criteria: ACMG Guidelines, 2015. Collection method: clinical testing. Allele origin: germline.

NM_000222.3(KIT):c.-14T>A

Gene: KIT (KIT proto-oncogene, receptor tyrosine kinase; plus strand). Cytogenetic location: 4q12.
Variant type: single nucleotide variant.
Coding change: c.-14T>A on transcript NM_000222.3 (MANE Select); 14 bases upstream of the start codon, T replaced by A.
Molecular consequence: 5 prime UTR variant.
Genome position (GRCh38, 1-based): chr4:54,658,001, T>A. VCF-style: chr4-54658001-T-A. GRCh37 (hg19) VCF-style: chr4-55524168-T-A.
Other names: c.-14T>A (NM_001093772.2, NM_001385284.1, NM_001385285.1 and 4 more transcripts).
Identifiers: ClinVar variation 255567 (VCV000255567.12), dbSNP rs140909964, ClinGen allele CA2923108.
Genomic context (GRCh38, chr4:54,658,001, plus strand): 5'-CTTTGCCGCGCTCGCTGCACTTGGGCGAGAGCTGGAACGTGGACCAGAGCTCGGATCCCA[T>A]CGCAGCTACCGCGATGAGAGGCGCTCGCGGCGCCTGGGATTTTCTCTGCGTTCTGCTCCT-3'